The following is an entry in ClinVar:

NM_182961.4(SYNE1):c.5260A>G (p.Asn1754Asp)

Gene: SYNE1 (spectrin repeat containing nuclear envelope protein 1; minus strand). Cytogenetic location: 6q25.2.
Variant type: single nucleotide variant.
Coding change: c.5260A>G on transcript NM_182961.4 (MANE Select); coding-DNA position 5260, A replaced by G.
Protein change: p.Asn1754Asp; replaces asparagine 1754 with aspartic acid.
Molecular consequence: missense variant.
Genome position (GRCh38, 1-based): chr6:152,425,388, T>C on the plus strand (A>G on the coding strand, the complement: SYNE1 is on the minus strand). VCF-style: chr6-152425388-T-C. GRCh37 (hg19) VCF-style: chr6-152746523-T-C.
Other names: c.5281A>G, p.Asn1761Asp (NM_033071.5); short protein forms N1754D, N1761D.
Identifiers: ClinVar variation 1378623 (VCV001378623.8), dbSNP rs2154194638, ClinGen allele CA366137352.

ClinVar aggregate classification (germline): Uncertain significance (1 of 4 stars; one submission).

Conditions:
Emery-Dreifuss muscular dystrophy 4, autosomal dominant (EDMD4). Also called: EMERY-DREIFUSS MUSCULAR DYSTROPHY 4 WITH VARIABLE FEATURES. Identifiers: Orphanet 261, MedGen C2751807, MONDO:0013071, OMIM 612998.
Autosomal recessive ataxia, Beauce type. Also called: SYNE1-Related Autosomal Recessive Cerebellar Ataxia; Spinocerebellar ataxia, autosomal recessive 8; ATAXIA, RECESSIVE, OF BEAUCE; SYNE1 Deficiency. Identifiers: Orphanet 88644, MedGen C1853116, MONDO:0012549, OMIM 610743.

gnomAD v4.1: 1 of 1,614,136 alleles (0.000062%); highest among the groups gnomAD compares: Non-Finnish European, 0.000085%; no homozygotes.

Submission:

Labcorp Genetics (formerly Invitae), Labcorp
Classification: Uncertain significance for Emery-Dreifuss muscular dystrophy 4, autosomal dominant; Autosomal recessive ataxia, Beauce type. Last evaluated: 2024-02-24. Review status: criteria provided, single submitter. Criteria: Invitae Variant Classification Sherloc (09022015). Collection method: clinical testing. Allele origin: germline.
Comment: This sequence change replaces asparagine, which is neutral and polar, with aspartic acid, which is acidic and polar, at codon 1761 of the SYNE1 protein (p.Asn1761Asp). This variant is not present in population databases (gnomAD no frequency). This variant has not been reported in the literature in individuals affected with SYNE1-related conditions. ClinVar contains an entry for this variant (Variation ID: 1378623). Algorithms developed to predict the effect of missense changes on protein structure and function output the following: SIFT: "Not Available"; PolyPhen-2: "Benign"; Align-GVGD: "Not Available". The aspartic acid amino acid residue is found in multiple mammalian species, which suggests that this missense change does not adversely affect protein function. In summary, the available evidence is currently insufficient to determine the role of this variant in disease. Therefore, it has been classified as a Variant of Uncertain Significance.